The following is an entry in ClinVar:

NM_006017.3(PROM1):c.414A>T (p.Lys138Asn)

Gene: PROM1 (prominin 1; minus strand). Cytogenetic location: 4p15.32.
Variant type: single nucleotide variant.
Coding change: c.414A>T on transcript NM_006017.3 (MANE Select); coding-DNA position 414, A replaced by T.
Protein change: p.Lys138Asn; replaces lysine 138 with asparagine.
Molecular consequence: missense variant.
Genome position (GRCh38, 1-based): chr4:16,033,399, T>A on the plus strand (A>T on the coding strand, the complement: PROM1 is on the minus strand). VCF-style: chr4-16033399-T-A. GRCh37 (hg19) VCF-style: chr4-16035022-T-A.
Other names: c.387A>T, p.Lys129Asn (NM_001145847.2, NM_001145848.2, NM_001145851.2 and 4 more transcripts); c.414A>T, p.Lys138Asn (NM_001145849.2, NM_001145850.2); short protein forms K129N, K138N.
Identifiers: ClinVar variation 1394060 (VCV001394060.6), dbSNP rs971343108, ClinGen allele CA92573101.

ClinVar aggregate classification (germline): Uncertain significance (1 of 4 stars; one submission).

gnomAD v4.1: 1 of 1,613,856 alleles (0.000062%); highest among the groups gnomAD compares: Non-Finnish European, 0.000085%; no homozygotes.

Submission:

Labcorp Genetics (formerly Invitae), Labcorp
Classification: Uncertain significance. Last evaluated: 2025-11-17. Review status: criteria provided, single submitter. Criteria: Invitae Variant Classification Sherloc (09022015). Collection method: clinical testing. Allele origin: germline.
Comment: This sequence change replaces lysine, which is basic and polar, with asparagine, which is neutral and polar, at codon 138 of the PROM1 protein (p.Lys138Asn). This variant is not present in population databases (gnomAD no frequency). This variant has not been reported in the literature in individuals affected with PROM1-related conditions. ClinVar contains an entry for this variant (Variation ID: 1394060). Invitae Evidence Modeling of protein sequence and biophysical properties (such as structural, functional, and spatial information, amino acid conservation, physicochemical variation, residue mobility, and thermodynamic stability) indicates that this missense variant is not expected to disrupt PROM1 protein function with a negative predictive value of 80%. In summary, the available evidence is currently insufficient to determine the role of this variant in disease. Therefore, it has been classified as a Variant of Uncertain Significance.